The following is an entry in ClinVar:

NM_173598.6(KSR2):c.1620C>A (p.Ala540=)

Gene: KSR2 (kinase suppressor of ras 2; minus strand). Cytogenetic location: 12q24.22.
Variant type: single nucleotide variant.
Coding change: c.1620C>A on transcript NM_173598.6 (MANE Select); coding-DNA position 1620, C replaced by A.
Protein change: p.Ala540=; no amino-acid change (alanine 540 retained).
Molecular consequence: synonymous variant.
Genome position (GRCh38, 1-based): chr12:117,539,786, G>T on the plus strand (C>A on the coding strand, the complement: KSR2 is on the minus strand). VCF-style: chr12-117539786-G-T. GRCh37 (hg19) VCF-style: chr12-117977591-G-T.
Identifiers: ClinVar variation 3352966 (VCV003352966.1).

ClinVar aggregate classification (germline): Likely benign (0 of 4 stars; one submission).

Conditions:
KSR2-related disorder. Also called: KSR2-related condition.

gnomAD v4.1: 11 of 1,607,472 alleles (0.00068%); highest among the groups gnomAD compares: Admixed American, 0.0017%; no homozygotes.

Submission:

PreventionGenetics, part of Exact Sciences
Classification: Likely benign for KSR2-related condition. Last evaluated: 2022-04-04. Review status: no assertion criteria provided. Collection method: clinical testing. Allele origin: germline.
Comment: This variant is classified as likely benign based on ACMG/AMP sequence variant interpretation guidelines (Richards et al. 2015 PMID: 25741868, with internal and published modifications).